The following is an entry in ClinVar:

ClinVar aggregate classification (germline): Uncertain significance (1 of 4 stars; one submission).

Conditions:
Charcot-Marie-Tooth disease type 2. Also called: Charcot-Marie-Tooth type 2. Identifiers: Orphanet 64746, MedGen C0270914, MONDO:0018993.

Allele frequency attached by ClinVar (database versions not stated): TOPMed below 0.00001; gnomAD exomes below 0.00001.
gnomAD v4.1: 1 of 1,614,166 alleles (0.000062%); highest among the groups gnomAD compares: Non-Finnish European, 0.000085%; no homozygotes.

Submission:

Labcorp Genetics (formerly Invitae), Labcorp
Classification: Uncertain significance for Charcot-Marie-Tooth disease type 2. Last evaluated: 2023-08-16. Review status: criteria provided, single submitter. Criteria: Invitae Variant Classification Sherloc (09022015). Collection method: clinical testing. Allele origin: germline.
Comment: This variant has not been reported in the literature in individuals affected with AARS-related conditions. Advanced modeling of protein sequence and biophysical properties (such as structural, functional, and spatial information, amino acid conservation, physicochemical variation, residue mobility, and thermodynamic stability) has been performed at Invitae for this missense variant, however the output from this modeling did not meet the statistical confidence thresholds required to predict the impact of this variant on AARS protein function. This variant disrupts the p.Thr608 amino acid residue in AARS. Other variant(s) that disrupt this residue have been determined to be pathogenic (PMID: 24627108, 32376792; Invitae). This suggests that this residue is clinically significant, and that variants that disrupt this residue are likely to be disease-causing. In summary, the available evidence is currently insufficient to determine the role of this variant in disease. Therefore, it has been classified as a Variant of Uncertain Significance. This variant is not present in population databases (gnomAD no frequency). This sequence change replaces threonine, which is neutral and polar, with serine, which is neutral and polar, at codon 608 of the AARS protein (p.Thr608Ser).

Literature cited by the submitters: PubMed 24627108; PubMed 32376792.

NM_001605.3(AARS1):c.1822A>T (p.Thr608Ser)

Gene: AARS1 (alanyl-tRNA synthetase 1; minus strand). Cytogenetic location: 16q22.1.
Variant type: single nucleotide variant.
Coding change: c.1822A>T on transcript NM_001605.3 (MANE Select); coding-DNA position 1822, A replaced by T.
Protein change: p.Thr608Ser; replaces threonine 608 with serine.
Molecular consequence: missense variant.
Genome position (GRCh38, 1-based): chr16:70,259,150, T>A on the plus strand (A>T on the coding strand, the complement: AARS1 is on the minus strand). VCF-style: chr16-70259150-T-A. GRCh37 (hg19) VCF-style: chr16-70293053-T-A.
Other names: short protein forms T608S.
Identifiers: ClinVar variation 2726039 (VCV002726039.3), dbSNP rs1441771832, ClinGen allele CA396558321.